The following is an entry in ClinVar:

NM_024675.4(PALB2):c.1453A>G (p.Thr485Ala)

Gene: PALB2 (partner and localizer of BRCA2; minus strand). Cytogenetic location: 16p12.2.
Variant type: single nucleotide variant.
Coding change: c.1453A>G on transcript NM_024675.4 (MANE Select); coding-DNA position 1453, A replaced by G.
Protein change: p.Thr485Ala; replaces threonine 485 with alanine.
Molecular consequence: missense variant. On other transcripts: intron variant (3).
Genome position (GRCh38, 1-based): chr16:23,635,093, T>C on the plus strand (A>G on the coding strand, the complement: PALB2 is on the minus strand). VCF-style: chr16-23635093-T-C. GRCh37 (hg19) VCF-style: chr16-23646414-T-C.
Other names: c.1393A>G, p.Thr465Ala (NM_001407296.1); c.1453A>G, p.Thr485Ala (NM_001407297.1, NM_001407298.1, NM_001407299.1 and 3 more transcripts); c.568A>G, p.Thr190Ala (NM_001407304.1, NM_001407305.1, NM_001407306.1 and 5 more transcripts); c.49-5818A>G (NM_001407314.1); c.-104-4624A>G (NM_001407313.1, NM_001407312.1); short protein forms T485A, T190A, T465A.
Identifiers: ClinVar variation 4740465 (VCV004740465.1).

ClinVar aggregate classification (germline): Uncertain significance (1 of 4 stars; one submission).

Conditions:
Familial cancer of breast. Also called: BREAST CANCER, FAMILIAL; Hereditary breast cancer; hereditary breast carcinoma. Identifiers: Orphanet 227535, MedGen C0346153, MONDO:0016419, OMIM 114480. Disease mechanism: loss of function.

Submission:

Labcorp Genetics (formerly Invitae), Labcorp
Classification: Uncertain significance for Familial cancer of breast. Last evaluated: 2026-01-27. Review status: criteria provided, single submitter. Criteria: Invitae Variant Classification Sherloc (09022015). Collection method: clinical testing. Allele origin: germline.
Comment: This sequence change replaces threonine, which is neutral and polar, with alanine, which is neutral and non-polar, at codon 485 of the PALB2 protein (p.Thr485Ala). This variant is not present in population databases (gnomAD no frequency). This variant has not been reported in the literature in individuals affected with PALB2-related conditions. Invitae Evidence Modeling of protein sequence and biophysical properties (such as structural, functional, and spatial information, amino acid conservation, physicochemical variation, residue mobility, and thermodynamic stability) indicates that this missense variant is not expected to disrupt PALB2 protein function with a negative predictive value of 80%. In summary, the available evidence is currently insufficient to determine the role of this variant in disease. Therefore, it has been classified as a Variant of Uncertain Significance.